The following is an entry in ClinVar:

NM_000038.6(APC):c.5068A>C (p.Ile1690Leu)

Gene: APC (APC regulator of Wnt signaling pathway; plus strand). Cytogenetic location: 5q22.2.
Variant type: single nucleotide variant.
Coding change: c.5068A>C on transcript NM_000038.6 (MANE Select); coding-DNA position 5068, A replaced by C.
Protein change: p.Ile1690Leu; replaces isoleucine 1690 with leucine.
Molecular consequence: missense variant.
Genome position (GRCh38, 1-based): chr5:112,840,662, A>C. VCF-style: chr5-112840662-A-C. GRCh37 (hg19) VCF-style: chr5-112176359-A-C.
Other names: c.5068A>C (NM_000038.5); c.5068A>C, p.Ile1690Leu (NM_001127510.3, NM_001354895.2); c.5014A>C, p.Ile1672Leu (NM_001127511.3); c.5122A>C, p.Ile1708Leu (NM_001354896.2); c.5098A>C, p.Ile1700Leu (NM_001354897.2); c.4993A>C, p.Ile1665Leu (NM_001354898.2); c.4984A>C, p.Ile1662Leu (NM_001354899.2); c.4945A>C, p.Ile1649Leu (NM_001354900.2); and 6 more; short protein forms I1672L, I1690L, I1564L, I1589L, I1662L, I1700L, I1708L, I1407L.
Identifiers: ClinVar variation 1440816 (VCV001440816.9), dbSNP rs201142277, ClinGen allele CA16032412.

ClinVar aggregate classification (germline): Uncertain significance. Review status: criteria provided, multiple submitters, no conflicts (2 of 4 stars). 2 submissions from 2 submitters: Uncertain significance (2). Last evaluated 2025-11-19.

Conditions:
Hereditary cancer-predisposing syndrome. Also called: Tumor predisposition; Hereditary Cancer Syndrome; Hereditary neoplastic syndrome; Neoplastic Syndromes, Hereditary. Identifiers: Orphanet 140162, MedGen C0027672, MeSH D009386, MONDO:0015356.
Familial adenomatous polyposis 1 (FAP1). Also called: FAMILIAL ADENOMATOUS POLYPOSIS 1, ATTENUATED; POLYPOSIS, ADENOMATOUS INTESTINAL. Identifiers: MedGen C2713442, MONDO:0021056, OMIM 175100. Disease mechanism: loss of function.

gnomAD v4.1: 1 of 1,614,008 alleles (0.000062%); highest among the groups gnomAD compares: African/African-American, 0.0013%; no homozygotes.

Submissions (2):

Labcorp Genetics (formerly Invitae), Labcorp
Classification: Uncertain significance for Familial adenomatous polyposis 1. Last evaluated: 2025-11-19. Review status: criteria provided, single submitter. Criteria: Invitae Variant Classification Sherloc (09022015). Collection method: clinical testing. Allele origin: germline.
Comment: This sequence change replaces isoleucine, which is neutral and non-polar, with leucine, which is neutral and non-polar, at codon 1690 of the APC protein (p.Ile1690Leu). This variant is not present in population databases (gnomAD no frequency). This variant has not been reported in the literature in individuals affected with APC-related conditions. ClinVar contains an entry for this variant (Variation ID: 1440816). Invitae Evidence Modeling of protein sequence and biophysical properties (such as structural, functional, and spatial information, amino acid conservation, physicochemical variation, residue mobility, and thermodynamic stability) indicates that this missense variant is not expected to disrupt APC protein function with a negative predictive value of 95%. In summary, the available evidence is currently insufficient to determine the role of this variant in disease. Therefore, it has been classified as a Variant of Uncertain Significance.

Ambry Genetics
Classification: Uncertain significance for Hereditary cancer-predisposing syndrome. Last evaluated: 2024-02-20. Review status: criteria provided, single submitter. Criteria: Ambry Variant Classification Scheme 2023. Collection method: clinical testing. Allele origin: germline.
Comment: The p.I1690L variant (also known as c.5068A>C), located in coding exon 15 of the APC gene, results from an A to C substitution at nucleotide position 5068. The isoleucine at codon 1690 is replaced by leucine, an amino acid with highly similar properties. This amino acid position is conserved. In addition, in silico predictors for this gene do not accurately predict pathogenicity. Based on the available evidence, the clinical significance of this alteration remains unclear.